The following is an entry in ClinVar:

NM_001131.3(CRISP1):c.276G>A (p.Arg92=)

Gene: CRISP1 (cysteine rich secretory protein 1; minus strand). Cytogenetic location: 6p12.3.
Variant type: single nucleotide variant.
Coding change: c.276G>A on transcript NM_001131.3 (MANE Select); coding-DNA position 276, G replaced by A.
Protein change: p.Arg92=; no amino-acid change (arginine 92 retained).
Molecular consequence: synonymous variant.
Genome position (GRCh38, 1-based): chr6:49,848,219, C>T on the plus strand (G>A on the coding strand, the complement: CRISP1 is on the minus strand). VCF-style: chr6-49848219-C-T. GRCh37 (hg19) VCF-style: chr6-49815932-C-T.
Other names: c.276G>A, p.Arg92= (NM_001205220.2, NM_170609.2).
Identifiers: ClinVar variation 2656638 (VCV002656638.24), dbSNP rs143712708, ClinGen allele CA3849176.

ClinVar aggregate classification (germline): Likely benign (1 of 4 stars; one submission).

Allele frequency attached by ClinVar (database versions not stated): 1000 Genomes Project 0.00060; 1000 Genomes Project 30x 0.00078; ESP Exome Variant Server 0.00100; TOPMed 0.00108; ExAC 0.00110; gnomAD 0.00111.
gnomAD v4.1: 3,062 of 1,584,602 alleles (0.19%); highest among the groups gnomAD compares: Non-Finnish European, 0.25%; 6 homozygotes.

Submission:

CeGaT Center for Human Genetics Tuebingen
Classification: Likely benign. Last evaluated: 2022-10-01. Review status: criteria provided, single submitter. Criteria: CeGaT Center For Human Genetics Tuebingen Variant Classification Criteria Version 2. Collection method: clinical testing. Allele origin: germline. Affected: yes. Observed: 1 variant allele.
Comment: CRISP1: BP4, BP7